The following is an entry in ClinVar:

ClinVar aggregate classification (germline): Uncertain significance. Review status: criteria provided, multiple submitters, no conflicts (2 of 4 stars). 2 submissions from 2 submitters: Uncertain significance (2). Last evaluated 2025-04-10.

Conditions:
Inborn genetic diseases. Identifiers: MedGen C0950123, MeSH D030342.
Primary ciliary dyskinesia 32. Also called: CILIARY DYSKINESIA, PRIMARY, 32, WITHOUT SITUS INVERSUS. Identifiers: Orphanet 244, MedGen C4225311, MONDO:0014657, OMIM 616481.

Allele frequency attached by ClinVar (database versions not stated): gnomAD exomes below 0.00001 and 0.00002; TOPMed 0.00001; ExAC 0.00002.
gnomAD v4.1: 6 of 1,515,906 alleles (0.0004%); highest among the groups gnomAD compares: East Asian, 0.0023%; no homozygotes.

Submissions (2):

Ambry Genetics
Classification: Uncertain significance for Inborn genetic diseases. Last evaluated: 2025-04-10. Review status: criteria provided, single submitter. Criteria: Ambry Variant Classification Scheme 2023. Collection method: clinical testing. Allele origin: germline.

Labcorp Genetics (formerly Invitae), Labcorp
Classification: Uncertain significance for Primary ciliary dyskinesia 32. Last evaluated: 2022-10-24. Review status: criteria provided, single submitter. Criteria: Invitae Variant Classification Sherloc (09022015). Collection method: clinical testing. Allele origin: germline.
Comment: This variant is present in population databases (rs756674375, gnomAD 0.01%). This sequence change replaces serine, which is neutral and polar, with asparagine, which is neutral and polar, at codon 172 of the RSPH3 protein (p.Ser172Asn). This variant has not been reported in the literature in individuals affected with RSPH3-related conditions. In summary, the available evidence is currently insufficient to determine the role of this variant in disease. Therefore, it has been classified as a Variant of Uncertain Significance. Algorithms developed to predict the effect of missense changes on protein structure and function (SIFT, PolyPhen-2, Align-GVGD) all suggest that this variant is likely to be tolerated. ClinVar contains an entry for this variant (Variation ID: 1446965).

NM_031924.8(RSPH3):c.89G>A (p.Ser30Asn)

Gene: RSPH3 (radial spoke head 3; minus strand). Cytogenetic location: 6q25.3.
Variant type: single nucleotide variant.
Coding change: c.89G>A on transcript NM_031924.8 (MANE Select); coding-DNA position 89, G replaced by A.
Protein change: p.Ser30Asn; replaces serine 30 with asparagine.
Molecular consequence: missense variant. On other transcripts: non-coding transcript variant (1).
Genome position (GRCh38, 1-based): chr6:158,999,462, C>T on the plus strand (G>A on the coding strand, the complement: RSPH3 is on the minus strand). VCF-style: chr6-158999462-C-T. GRCh37 (hg19) VCF-style: chr6-159420494-C-T.
Other names: c.515G>A (NM_031924.4); c.515G>A, p.Ser172Asn (NM_001346418.1); short protein forms S172N, S30N.
Identifiers: ClinVar variation 1446965 (VCV001446965.7), dbSNP rs756674375, ClinGen allele CA4076007.
Genomic context (GRCh38, chr6:158,999,462, plus strand): 5'-ATGGACCACACAGGGGCTGGCTTGGTCACTCACGGCTGCGTCAGGCTGTCCCGGTAACGG[C>T]TGCGCTGGCAGGGCAGTGCTCGGGGCCGGCTGGTGTAGGTGTAGGTGCTCGGGGCCCGAG-3'
Protein context (NP_114130.4, residues 20-40): SRPRALPCQR[Ser30Asn]RYRDSLTQPD